The following is an entry in ClinVar:

ClinVar aggregate classification (germline): Uncertain significance. Review status: criteria provided, multiple submitters, no conflicts (2 of 4 stars). 2 submissions from 2 submitters: Uncertain significance (2). Last evaluated 2025-08-15.

Conditions:
Type 2 diabetes mellitus. Also called: Type II diabetes mellitus. Identifiers: MedGen C0011860, MeSH D003924, MONDO:0005148, OMIM 125853, HP:0005978.
Maturity-onset diabetes of the young type 6 (MODY6). Identifiers: Orphanet 552, MedGen C1853371, MONDO:0011668, OMIM 606394.

Allele frequency attached by ClinVar (database versions not stated): gnomAD 0.00003 and 0.00004; TOPMed 0.00003; gnomAD exomes 0.00004 and 0.00001; ExAC 0.00001.

Submissions (2):

Labcorp Genetics (formerly Invitae), Labcorp
Classification: Uncertain significance. Last evaluated: 2025-08-15. Review status: criteria provided, single submitter. Criteria: Invitae Variant Classification Sherloc (09022015). Collection method: clinical testing. Allele origin: germline.
Comment: This sequence change replaces tyrosine, which is neutral and polar, with cysteine, which is neutral and slightly polar, at codon 249 of the NEUROD1 protein (p.Tyr249Cys). This variant is present in population databases (rs780520468, gnomAD 0.004%). This variant has not been reported in the literature in individuals affected with NEUROD1-related conditions. ClinVar contains an entry for this variant (Variation ID: 1462185). Invitae Evidence Modeling of protein sequence and biophysical properties (such as structural, functional, and spatial information, amino acid conservation, physicochemical variation, residue mobility, and thermodynamic stability) indicates that this missense variant is not expected to disrupt NEUROD1 protein function with a negative predictive value of 80%. In summary, the available evidence is currently insufficient to determine the role of this variant in disease. Therefore, it has been classified as a Variant of Uncertain Significance.

Fulgent Genetics
Classification: Uncertain significance for Type 2 diabetes mellitus; Maturity-onset diabetes of the young type 6. Last evaluated: 2021-07-08. Review status: criteria provided, single submitter. Criteria: ACMG Guidelines, 2015. Collection method: clinical testing. Allele origin: unknown.

NM_002500.5(NEUROD1):c.746A>G (p.Tyr249Cys)

Gene: NEUROD1 (neuronal differentiation 1; minus strand). Cytogenetic location: 2q31.3.
Variant type: single nucleotide variant.
Coding change: c.746A>G on transcript NM_002500.5 (MANE Select); coding-DNA position 746, A replaced by G.
Protein change: p.Tyr249Cys; replaces tyrosine 249 with cysteine.
Molecular consequence: missense variant.
Genome position (GRCh38, 1-based): chr2:181,678,115, T>C on the plus strand (A>G on the coding strand, the complement: NEUROD1 is on the minus strand). VCF-style: chr2-181678115-T-C. GRCh37 (hg19) VCF-style: chr2-182542842-T-C.
Other names: short protein forms Y249C.
Identifiers: ClinVar variation 1462185 (VCV001462185.9), dbSNP rs780520468, ClinGen allele CA2011071.